The following is an entry in ClinVar:

NM_003480.4(MFAP5):c.271T>C (p.Cys91Arg)

Gene: MFAP5 (microfibril associated protein 5; minus strand). Cytogenetic location: 12p13.31.
Variant type: single nucleotide variant.
Coding change: c.271T>C on transcript NM_003480.4 (MANE Select); coding-DNA position 271, T replaced by C.
Protein change: p.Cys91Arg; replaces cysteine 91 with arginine.
Molecular consequence: missense variant. On other transcripts: non-coding transcript variant (2), intron variant (1).
Genome position (GRCh38, 1-based): chr12:8,650,566, A>G on the plus strand (T>C on the coding strand, the complement: MFAP5 is on the minus strand). VCF-style: chr12-8650566-A-G. GRCh37 (hg19) VCF-style: chr12-8803162-A-G.
Other names: c.241T>C, p.Cys81Arg (NM_001297709.2); c.205T>C, p.Cys69Arg (NM_001297710.2); c.196T>C, p.Cys66Arg (NM_001297711.2); c.218-2363T>C (NM_001297712.2); short protein forms C81R, C91R, C69R, C66R.
Identifiers: ClinVar variation 2563098 (VCV002563098.2), dbSNP rs2540288607, ClinGen allele CA384039128.

ClinVar aggregate classification (germline): Uncertain significance (1 of 4 stars; one submission).

Conditions:
Cardiovascular phenotype. Identifiers: MedGen CN230736.

Submission:

Ambry Genetics
Classification: Uncertain significance for Cardiovascular phenotype. Last evaluated: 2023-04-22. Review status: criteria provided, single submitter. Criteria: Ambry Variant Classification Scheme 2023. Collection method: clinical testing. Allele origin: germline.
Comment: The p.C91R variant (also known as c.271T>C), located in coding exon 7 of the MFAP5 gene, results from a T to C substitution at nucleotide position 271. The cysteine at codon 91 is replaced by arginine, an amino acid with highly dissimilar properties. This amino acid position is conserved. In addition, this alteration is predicted to be deleterious by in silico analysis. Since supporting evidence is limited at this time, the clinical significance of this alteration remains unclear.